The following is an entry in ClinVar:

NM_025114.4(CEP290):c.105G>A (p.Val35=)

Gene: CEP290 (centrosomal protein 290; minus strand). Cytogenetic location: 12q21.32.
Variant type: single nucleotide variant.
Coding change: c.105G>A on transcript NM_025114.4 (MANE Select); coding-DNA position 105, G replaced by A.
Protein change: p.Val35=; no amino-acid change (valine 35 retained).
Molecular consequence: synonymous variant.
Genome position (GRCh38, 1-based): chr12:88,141,031, C>T on the plus strand (G>A on the coding strand, the complement: CEP290 is on the minus strand). VCF-style: chr12-88141031-C-T. GRCh37 (hg19) VCF-style: chr12-88534808-C-T.
Other names: c.105G>A (NM_025114.3).
Identifiers: ClinVar variation 1139263 (VCV001139263.10), dbSNP rs371969282, ClinGen allele CA6712902.

ClinVar aggregate classification (germline): Likely benign. Review status: criteria provided, single submitter (1 of 4 stars). 2 submissions from 2 submitters: Likely benign (1). 1 of the submissions does not count toward it. Last evaluated 2023-11-28.

Conditions:
CEP290-related disorder. Also called: CEP290-related disorders; CEP290-related condition. Identifiers: MedGen CN239314.
Joubert syndrome. Also called: CEREBELLOPARENCHYMAL DISORDER IV; JOUBERT-BOLTSHAUSER SYNDROME; Familial aplasia of the vermis. Identifiers: Orphanet 475, MedGen C5979921, MONDO:0018772.
Nephronophthisis. Also called: Juvenile Nephronophthisis. Identifiers: Orphanet 655, MedGen C0687120, MONDO:0019005, HP:0000090.
Meckel-Gruber syndrome. Also called: DYSENCEPHALIA SPLANCHNOCYSTICA; GRUBER SYNDROME; Dysencephalia splachnocystica. Identifiers: Orphanet 564, MedGen C0265215, MONDO:0018921.

Allele frequency attached by ClinVar (database versions not stated): ExAC 0.00001; gnomAD exomes 0.00001; gnomAD 0.00002; TOPMed 0.00002; ESP Exome Variant Server 0.00009.
gnomAD v4.1: 21 of 1,573,250 alleles (0.0013%); highest among the groups gnomAD compares: Non-Finnish European, 0.0016%; no homozygotes.

Submissions (2):

Labcorp Genetics (formerly Invitae), Labcorp
Classification: Likely benign for Joubert syndrome; Meckel-Gruber syndrome; Nephronophthisis. Last evaluated: 2023-11-28. Review status: criteria provided, single submitter. Criteria: Invitae Variant Classification Sherloc (09022015). Collection method: clinical testing. Allele origin: germline.

PreventionGenetics, part of Exact Sciences
Classification: Likely benign for CEP290-related condition. Last evaluated: 2019-10-03. Review status: no assertion criteria provided. Collection method: clinical testing. Allele origin: germline. Not counted in ClinVar's aggregate classification.
Comment: This variant is classified as likely benign based on ACMG/AMP sequence variant interpretation guidelines (Richards et al. 2015 PMID: 25741868, with internal and published modifications).